The following is an entry in ClinVar:

ClinVar aggregate classification (germline): Uncertain significance. Review status: reviewed by expert panel (3 of 4 stars). 6 submissions from 6 submitters: Uncertain significance (1). 5 of the submissions do not count toward it. Last evaluated 2025-05-02.

Conditions:
RUNX1-related disorder. Also called: RUNX1-related condition.
Hereditary thrombocytopenia and hematologic cancer predisposition syndrome. Identifiers: Orphanet 71290, MedGen CN281654, MONDO:0011071.
Acute myeloid leukemia (AML). Also called: Leukemia, acute myeloid, somatic; Leukemia, acute myelogenous, somatic; Acute myeloid leukemia, adult; AML adult; Acute non-lymphocytic leukemia; Acute granulocytic leukemia. Identifiers: Orphanet 519, MedGen C0023467, MeSH D015470, MONDO:0018874, OMIM 601626, HP:0004808. Disease mechanism: Constitutively activated FLT3.
Inborn genetic diseases. Identifiers: MedGen C0950123, MeSH D030342.
Hereditary thrombocytopenia and hematological cancer predisposition syndrome associated with RUNX1. Also called: Familial thrombocytopenia with propensity to acute myelogenous leukemia; Familial Platelet Disorder with Propensity to Acute Myelogenous Leukemia; PLATELET DISORDER, ASPIRIN-LIKE; RUNX1 Familial Platelet Disorder with Associated Myeloid Malignancies. Identifiers: Orphanet 71290, MedGen C1832388, MeSH C563324, MONDO:0100083, OMIM 601399.

Allele frequency attached by ClinVar (database versions not stated): TOPMed 0.00002.
gnomAD v4.1: 9 of 1,565,898 alleles (0.00057%); highest among the groups gnomAD compares: Admixed American, 0.0038%; no homozygotes.

Submissions (6):

ClinGen Myeloid Malignancy Variant Curation Expert Panel
Classification: Uncertain significance for Hereditary thrombocytopenia and hematologic cancer predisposition syndrome. Last evaluated: 2025-05-02. Review status: reviewed by expert panel. Criteria: ClinGen MyeloMalig ACMG Specifications v2. Collection method: curation. Allele origin: germline. Inheritance: Autosomal dominant inheritance.
Comment: NM_001754.5(RUNX1):c.1184C>G (p.Pro395Arg) is a missense variant which has a REVEL score of 0.334 and a SpliceAI score ≤ 0.20, meeting the threshold for BP4. It is reported at a MAF of 0.00002943 in the admixed American population (gnomAD v3), which does not meet any population criteria. Although it has been reported in a patient (PMID: 32554555), the proband does not meet criteria for PS4 due to lack of germline confirmation. In summary, the clinical significance of this variant is uncertain. ACMG/AMP criteria applied, as specified by the Myeloid Malignancy Variant Curation Expert Panel for RUNX1: BP4.

Labcorp Genetics (formerly Invitae), Labcorp
Classification: Uncertain significance for Hereditary thrombocytopenia and hematological cancer predisposition syndrome associated with RUNX1. Last evaluated: 2025-11-23. Review status: criteria provided, single submitter. Criteria: Invitae Variant Classification Sherloc (09022015). Collection method: clinical testing. Allele origin: germline. Not counted in ClinVar's aggregate classification.
Comment: This sequence change replaces proline, which is neutral and non-polar, with arginine, which is basic and polar, at codon 395 of the RUNX1 protein (p.Pro395Arg). This variant is present in population databases (no rsID available, gnomAD 0.008%). This variant has not been reported in the literature in individuals affected with RUNX1-related conditions. ClinVar contains an entry for this variant (Variation ID: 392183). Invitae Evidence Modeling of protein sequence and biophysical properties (such as structural, functional, and spatial information, amino acid conservation, physicochemical variation, residue mobility, and thermodynamic stability) has been performed for this missense variant. However, the output from this modeling did not meet the statistical confidence thresholds required to predict the impact of this variant on RUNX1 protein function. In summary, the available evidence is currently insufficient to determine the role of this variant in disease. Therefore, it has been classified as a Variant of Uncertain Significance.

PreventionGenetics, part of Exact Sciences
Classification: Uncertain significance for RUNX1-related condition. Last evaluated: 2025-03-04. Review status: criteria provided, single submitter. Criteria: ACMG Guidelines, 2015. Collection method: clinical testing. Allele origin: germline. Not counted in ClinVar's aggregate classification.
Comment: The RUNX1 c.1184C>G variant is predicted to result in the amino acid substitution p.Pro395Arg. To our knowledge, this variant has not been reported in the literature. This variant is reported in 0.0077% of alleles in individuals of Latino descent in gnomAD. At this time, the clinical significance of this variant is uncertain due to the absence of conclusive functional and genetic evidence.

Ambry Genetics
Classification: Uncertain significance for Inborn genetic diseases. Last evaluated: 2024-12-11. Review status: criteria provided, single submitter. Criteria: Ambry Variant Classification Scheme 2023. Collection method: clinical testing. Allele origin: germline. Not counted in ClinVar's aggregate classification.
Comment: The p.P395R variant (also known as c.1184C>G), located in coding exon 8 of the RUNX1 gene, results from a C to G substitution at nucleotide position 1184. The proline at codon 395 is replaced by arginine, an amino acid with dissimilar properties. This amino acid position is highly conserved in available vertebrate species. In addition, this alteration is predicted to be tolerated by in silico analysis. Based on the available evidence, the clinical significance of this variant remains unclear.

Baylor Genetics
Classification: Uncertain significance for Acute myeloid leukemia. Last evaluated: 2024-02-19. Review status: criteria provided, single submitter. Criteria: ACMG Guidelines, 2015. Collection method: clinical testing. Allele origin: unknown. Not counted in ClinVar's aggregate classification.

GeneDx
Classification: Uncertain significance. Last evaluated: 2023-10-04. Review status: criteria provided, single submitter. Criteria: GeneDx Variant Classification Process June 2021. Collection method: clinical testing. Allele origin: germline. Affected: yes. Not counted in ClinVar's aggregate classification.
Comment: In silico analysis supports that this missense variant has a deleterious effect on protein structure/function; Has not been previously published as pathogenic or benign to our knowledge

NM_001754.5(RUNX1):c.1184C>G (p.Pro395Arg)

Gene: RUNX1 (RUNX family transcription factor 1; minus strand). Cytogenetic location: 21q22.12.
Variant type: single nucleotide variant.
Coding change: c.1184C>G on transcript NM_001754.5 (MANE Select); coding-DNA position 1184, C replaced by G.
Protein change: p.Pro395Arg; replaces proline 395 with arginine.
Molecular consequence: missense variant.
Genome position (GRCh38, 1-based): chr21:34,792,394, G>C on the plus strand (C>G on the coding strand, the complement: RUNX1 is on the minus strand). VCF-style: chr21-34792394-G-C. GRCh37 (hg19) VCF-style: chr21-36164691-G-C.
Other names: NM_001754.4(RUNX1):c.1184C>G; p.Pro395Arg; NM_001754.5(RUNX1):c.1184C>G; c.1103C>G, p.Pro368Arg (NM_001001890.3); short protein forms P395R, P368R.
Identifiers: ClinVar variation 392183 (VCV000392183.19), dbSNP rs868527382, ClinGen allele CA16609060.